The following is an entry in ClinVar:

NM_001378454.1(ALMS1):c.4879T>A (p.Phe1627Ile)

Gene: ALMS1 (ALMS1 centrosome and basal body associated protein; plus strand). Cytogenetic location: 2p13.1.
Variant type: single nucleotide variant.
Coding change: c.4879T>A on transcript NM_001378454.1 (MANE Select); coding-DNA position 4879, T replaced by A.
Protein change: p.Phe1627Ile; replaces phenylalanine 1627 with isoleucine.
Molecular consequence: missense variant.
Genome position (GRCh38, 1-based): chr2:73,451,406, T>A. VCF-style: chr2-73451406-T-A. GRCh37 (hg19) VCF-style: chr2-73678533-T-A.
Other names: c.4882T>A, p.Phe1628Ile (NM_015120.4); short protein forms F1627I, F1628I.
Identifiers: ClinVar variation 2200307 (VCV002200307.1), dbSNP rs1671935468, ClinGen allele CA347279452.
Genomic context (GRCh38, chr2:73,451,406, plus strand): 5'-AAGACTGACATACCAGCAGGACCTTTAGGTTCCAGTGCACTTGGAGAGAAGCCCATTACT[T>A]TCTACCGGCAGGCTCTGCTAGACAGTCCTCTAAATAAAGAGGTTGTGAAAGTTTCAGCTG-3'
Protein context (NP_001365383.1, residues 1617-1637): SSALGEKPIT[Phe1627Ile]YRQALLDSPL

ClinVar aggregate classification (germline): Uncertain significance (1 of 4 stars; one submission).

Conditions:
Alstrom syndrome (ALMS). Identifiers: Orphanet 64, MedGen C0268425, MONDO:0008763, OMIM 203800.

Submission:

Labcorp Genetics (formerly Invitae), Labcorp
Classification: Uncertain significance for Alstrom syndrome. Last evaluated: 2022-08-17. Review status: criteria provided, single submitter. Criteria: Invitae Variant Classification Sherloc (09022015). Collection method: clinical testing. Allele origin: germline.
Comment: This sequence change replaces phenylalanine, which is neutral and non-polar, with isoleucine, which is neutral and non-polar, at codon 1628 of the ALMS1 protein (p.Phe1628Ile). This variant is not present in population databases (gnomAD no frequency). This variant has not been reported in the literature in individuals affected with ALMS1-related conditions. Experimental studies and prediction algorithms are not available or were not evaluated, and the functional significance of this variant is currently unknown. In summary, the available evidence is currently insufficient to determine the role of this variant in disease. Therefore, it has been classified as a Variant of Uncertain Significance.